The following is an entry in ClinVar:

ClinVar aggregate classification (germline): Uncertain significance. Review status: criteria provided, multiple submitters, no conflicts (2 of 4 stars). 4 submissions from 4 submitters: Uncertain significance (4). Last evaluated 2026-04-01.

Conditions:
Hereditary cancer-predisposing syndrome. Also called: Neoplastic Syndromes, Hereditary; Tumor predisposition; Hereditary neoplastic syndrome; Hereditary Cancer Syndrome. Identifiers: Orphanet 140162, MedGen C0027672, MeSH D009386, MONDO:0015356.

Allele frequency attached by ClinVar (database versions not stated): gnomAD exomes below 0.00001; TOPMed below 0.00001; gnomAD 0.00001.
gnomAD v4.1: 23 of 1,605,828 alleles (0.0014%); highest among the groups gnomAD compares: Non-Finnish European, 0.0019%; no homozygotes.

Submissions (4):

CeGaT Center for Human Genetics Tuebingen
Classification: Uncertain significance. Last evaluated: 2026-04-01. Review status: criteria provided, single submitter. Criteria: CeGaT Center For Human Genetics Tuebingen Variant Classification Criteria Version 2. Collection method: clinical testing. Allele origin: germline. Affected: yes. Observed: 1 variant allele.
Comment: NTHL1: PM2, BP4

Labcorp Genetics (formerly Invitae), Labcorp
Classification: Uncertain significance. Last evaluated: 2025-08-25. Review status: criteria provided, single submitter. Criteria: Invitae Variant Classification Sherloc (09022015). Collection method: clinical testing. Allele origin: germline.
Comment: This sequence change falls in intron 4 of the NTHL1 gene. It does not directly change the encoded amino acid sequence of the NTHL1 protein. It affects a nucleotide within the consensus splice site. This variant is present in population databases (no rsID available, gnomAD 0.0009%). This variant has not been reported in the literature in individuals affected with NTHL1-related conditions. ClinVar contains an entry for this variant (Variation ID: 952150). Variants that disrupt the consensus splice site are a relatively common cause of aberrant splicing (PMID: 17576681, 9536098). Studies have shown that this variant is associated with altered splicing resulting in multiple RNA products (internal data). In summary, the available evidence is currently insufficient to determine the role of this variant in disease. Therefore, it has been classified as a Variant of Uncertain Significance.

Ambry Genetics
Classification: Uncertain significance for Hereditary cancer-predisposing syndrome. Last evaluated: 2024-11-06. Review status: criteria provided, single submitter. Criteria: Ambry Variant Classification Scheme 2023. Collection method: clinical testing. Allele origin: germline.
Comment: The c.709+5G>A intronic variant results from a G to A substitution 5 nucleotides after coding exon 4 in the NTHL1 gene. This nucleotide position is highly conserved in available vertebrate species. In silico splice site analysis predicts that this alteration will weaken the native splice donor site; however, direct evidence is insufficient at this time (Ambry internal data). Since supporting evidence is limited at this time, the clinical significance of this alteration remains unclear.

GeneDx
Classification: Uncertain significance. Last evaluated: 2024-06-27. Review status: criteria provided, single submitter. Criteria: GeneDx Variant Classification Process June 2021. Collection method: clinical testing. Allele origin: germline. Affected: yes.
Comment: Not observed at significant frequency in large population cohorts (gnomAD); In silico analysis supports a deleterious effect on splicing; Has not been previously published as pathogenic or benign to our knowledge

Literature cited by the submitters: PubMed 17576681 (cited by Labcorp Genetics (formerly Invitae), Labcorp); PubMed 9536098 (cited by Labcorp Genetics (formerly Invitae), Labcorp).

NM_002528.7(NTHL1):c.685+5G>A

Gene: NTHL1 (nth like DNA glycosylase 1; minus strand). Cytogenetic location: 16p13.3.
Variant type: single nucleotide variant.
Coding change: c.685+5G>A on transcript NM_002528.7 (MANE Select); 5 bases into the intron after coding-DNA position 685, G replaced by A.
Molecular consequence: intron variant.
Genome position (GRCh38, 1-based): chr16:2,043,562, C>T on the plus strand (G>A on the coding strand, the complement: NTHL1 is on the minus strand). VCF-style: chr16-2043562-C-T. GRCh37 (hg19) VCF-style: chr16-2093563-C-T.
Other names: c.355+5G>A (NM_001318194.2); c.514+5G>A (NM_001318193.2).
Identifiers: ClinVar variation 952150 (VCV000952150.14), dbSNP rs953483709, ClinGen allele CA276763823.